The following is an entry in ClinVar:

ClinVar aggregate classification (germline): Conflicting classifications of pathogenicity. Review status: criteria provided, conflicting classifications (1 of 4 stars). 3 submissions from 3 submitters: Uncertain significance (1); Likely benign (2). Last evaluated 2025-09-09.

Conditions:
Inborn genetic diseases. Identifiers: MedGen C0950123, MeSH D030342.

Allele frequency attached by ClinVar (database versions not stated): gnomAD 0.00002 and 0.00003; gnomAD exomes 0.00002 and 0.00003; TOPMed 0.00003; ExAC 0.00008; ESP Exome Variant Server 0.00008.
gnomAD v4.1: 43 of 1,582,054 alleles (0.0027%); highest among the groups gnomAD compares: Admixed American, 0.0054%; no homozygotes.

Submissions (3):

Labcorp Genetics (formerly Invitae), Labcorp
Classification: Uncertain significance. Last evaluated: 2025-09-09. Review status: criteria provided, single submitter. Criteria: Invitae Variant Classification Sherloc (09022015). Collection method: clinical testing. Allele origin: germline.
Comment: This sequence change replaces alanine, which is neutral and non-polar, with valine, which is neutral and non-polar, at codon 32 of the NLRP1 protein (p.Ala32Val). This variant is present in population databases (rs201338083, gnomAD 0.005%). This variant has not been reported in the literature in individuals affected with NLRP1-related conditions. ClinVar contains an entry for this variant (Variation ID: 1345369). An algorithm developed to predict the effect of missense changes on protein structure and function outputs the following: PolyPhen-2: "Benign". The valine amino acid residue is found in multiple mammalian species, which suggests that this missense change does not adversely affect protein function. In summary, the available evidence is currently insufficient to determine the role of this variant in disease. Therefore, it has been classified as a Variant of Uncertain Significance.

Ambry Genetics
Classification: Likely benign for Inborn genetic diseases. Last evaluated: 2024-12-03. Review status: criteria provided, single submitter. Criteria: Ambry Variant Classification Scheme 2023. Collection method: clinical testing. Allele origin: germline.

Blueprint Genetics
Classification: Likely benign. Last evaluated: 2024-09-22. Review status: criteria provided, single submitter. Criteria: ACMG Guidelines, 2015. Collection method: clinical testing. Allele origin: germline.

NM_033004.4(NLRP1):c.95C>T (p.Ala32Val)

Genes: NLRP1 (NLR family pyrin domain containing 1; minus strand), LOC126862475 (CDK7 strongly-dependent group 2 enhancer GRCh37_chr17:5487167-5488366; plus strand). Cytogenetic location: 17p13.2.
Variant type: single nucleotide variant.
Coding change: c.95C>T on transcript NM_033004.4 (MANE Select); coding-DNA position 95, C replaced by T.
Protein change: p.Ala32Val; replaces alanine 32 with valine.
Molecular consequence: missense variant.
Genome position (GRCh38, 1-based): chr17:5,583,863, G>A on the plus strand (C>T on the coding strand, the complement: NLRP1 is on the minus strand). VCF-style: chr17-5583863-G-A. GRCh37 (hg19) VCF-style: chr17-5487183-G-A.
Other names: c.95C>T (NM_033004.3); c.95C>T, p.Ala32Val (NM_001033053.3, NM_014922.5, NM_033006.4 and 1 more transcripts); short protein forms A32V.
Identifiers: ClinVar variation 1345369 (VCV001345369.8), dbSNP rs201338083, ClinGen allele CA8327657.